The following is an entry in ClinVar:

ClinVar aggregate classification (germline): Conflicting classifications of pathogenicity. Review status: criteria provided, conflicting classifications (1 of 4 stars). 2 submissions from 2 submitters: Uncertain significance (1); Likely benign (1). Last evaluated 2024-02-23.

Conditions:
Hereditary cancer-predisposing syndrome. Also called: Neoplastic Syndromes, Hereditary; Tumor predisposition; Hereditary neoplastic syndrome; Hereditary Cancer Syndrome. Identifiers: Orphanet 140162, MedGen C0027672, MeSH D009386, MONDO:0015356.

Submissions (2):

Ambry Genetics
Classification: Likely benign for Hereditary cancer-predisposing syndrome. Last evaluated: 2024-02-23. Review status: criteria provided, single submitter. Criteria: Ambry Variant Classification Scheme 2023. Collection method: clinical testing. Allele origin: germline.

Color Diagnostics, LLC DBA Color Health
Classification: Uncertain significance for Hereditary cancer-predisposing syndrome. Last evaluated: 2023-12-04. Review status: criteria provided, single submitter. Criteria: ACMG Guidelines, 2015. Collection method: clinical testing. Allele origin: germline.
Comment: This missense variant replaces phenylalanine with leucine at codon 17 of the RAD51C protein. Computational prediction suggests that this variant may not impact protein structure and function (internally defined REVEL score threshold <= 0.5, PMID: 27666373). To our knowledge, functional studies have not been reported for this variant. This variant has not been reported in individuals affected with RAD51C-related disorders in the literature. This variant has not been identified in the general population by the Genome Aggregation Database (gnomAD). The available evidence is insufficient to determine the role of this variant in disease conclusively. Therefore, this variant is classified as a Variant of Uncertain Significance.

NM_058216.3(RAD51C):c.51C>G (p.Phe17Leu)

Gene: RAD51C (RAD51 paralog C; plus strand). Cytogenetic location: 17q22.
Variant type: single nucleotide variant.
Coding change: c.51C>G on transcript NM_058216.3 (MANE Select); coding-DNA position 51, C replaced by G.
Protein change: p.Phe17Leu; replaces phenylalanine 17 with leucine.
Molecular consequence: missense variant. On other transcripts: non-coding transcript variant (1).
Genome position (GRCh38, 1-based): chr17:58,692,694, C>G. VCF-style: chr17-58692694-C-G. GRCh37 (hg19) VCF-style: chr17-56770055-C-G.
Other names: c.51C>G, p.Phe17Leu (NM_002876.4); short protein forms F17L.
Identifiers: ClinVar variation 825537 (VCV000825537.8), dbSNP rs1598448876, ClinGen allele CA400336685.